The following is an entry in ClinVar:

NM_006950.3(SYN1):c.1166dup (p.Ser390fs)

Gene: SYN1 (synapsin I; minus strand). Cytogenetic location: Xp11.3.
Variant type: Duplication.
Coding change: c.1166dup on transcript NM_006950.3 (MANE Select); coding-DNA position 1166, one base duplicated (G; older notation c.1166dupG).
Protein change: p.Ser390fs; shifts the reading frame from serine 390.
Molecular consequence: frameshift variant.
Genome position (GRCh38, 1-based): chrX:47,575,267, C duplicated on the plus strand (G on the coding strand, the reverse complement: SYN1 is on the minus strand); the first of 3 consecutive C bases (chrX:47,575,267-47,575,269); duplicating any one gives the same sequence. VCF-style (leftmost placement, unchanged base first): chrX-47575266-A-AC. GRCh37 (hg19) VCF-style: chrX-47434665-A-AC.
Other names: c.1166dup, p.Ser390fs (NM_133499.2); c.1166dupG (NM_133499.2); short protein forms S390fs.
Identifiers: ClinVar variation 1301801 (VCV001301801.3), dbSNP rs2147912740, ClinGen allele CA2573055331.
Genomic context (GRCh38, chrX:47,575,266, plus strand): 5'-GAGCTCTACGATGAGCTGTTTGTCTTCATCCTGGTGGTCACCAATGAGCGGCATGGAGGA[A>AC]CCCACCACCTGGGGGAAGGAAAGGATCCGTGAGGGGAGAGGCAGGCCTCGCACCTGAGGC-3'

ClinVar aggregate classification (germline): Pathogenic. Review status: criteria provided, single submitter (1 of 4 stars). 2 submissions from 1 submitter: Pathogenic (2). Last evaluated 2024-10-04.

Conditions:
Epilepsy. Also called: Seizure disorder. Identifiers: MedGen C0014544, MeSH D004827, MONDO:0005027.
Epilepsy, X-linked 1, with variable learning disabilities and behavior disorders. Also called: X-linked epilepsy-learning disabilities-behavior disorders syndrome. Identifiers: Orphanet 85294, MedGen C5774177, MONDO:0010339, OMIM 300491.

Submissions (2):

Dubai Health Genomic Medicine Center, Dubai Health
Classification: Pathogenic for Epilepsy. Last evaluated: 2024-10-04. Review status: criteria provided, single submitter. Criteria: ACMG Guidelines, 2015. Collection method: research. Allele origin: germline. Affected: yes.
Comment: PVS1, PM2, PP4

Dubai Health Genomic Medicine Center, Dubai Health
Classification: Pathogenic for Epilepsy, X-linked 1, with variable learning disabilities and behavior disorders. Last evaluated: 2020-10-14. Review status: criteria provided, single submitter. Criteria: ACMG Guidelines, 2015. Collection method: clinical testing. Allele origin: germline. Affected: yes.
Comment: The p.Ser390fs variant in SYN1 has not been previously identified in individuals with disease and was absent from large population studies such as the Genome Aggregation Database (gnomAD) and the Greater Middle East (GME) variome database. This frameshift variant is predicted to alter the protein's amino acid sequence beginning at position 390 and lead to a premature termination codon 8 amino acids downstream. This alteration is then predicted to lead to a truncated or absent protein. At least one other pathogenic loss of function variant in this exon where the Ser390fs variant is found has been previously reported in one patient with epilepsy (PMID: 29655203). In summary this variant meets our criteria for pathogenicity.